The following is an entry in ClinVar:

ClinVar aggregate classification (germline): Uncertain significance (1 of 4 stars; one submission).

Allele frequency attached by ClinVar (database versions not stated): TOPMed below 0.00001; gnomAD 0.00001; gnomAD exomes 0.00001.
gnomAD v4.1: 8 of 1,613,868 alleles (0.0005%); highest among the groups gnomAD compares: Non-Finnish European, 0.00068%; no homozygotes.

Submission:

Labcorp Genetics (formerly Invitae), Labcorp
Classification: Uncertain significance. Last evaluated: 2022-06-26. Review status: criteria provided, single submitter. Criteria: Invitae Variant Classification Sherloc (09022015). Collection method: clinical testing. Allele origin: germline.
Comment: This sequence change replaces aspartic acid, which is acidic and polar, with histidine, which is basic and polar, at codon 162 of the FAM161A protein (p.Asp162His). This variant is present in population databases (no rsID available, gnomAD 0.0009%). This variant has not been reported in the literature in individuals affected with FAM161A-related conditions. Algorithms developed to predict the effect of missense changes on protein structure and function are either unavailable or do not agree on the potential impact of this missense change (SIFT: "Tolerated"; PolyPhen-2: "Probably Damaging"; Align-GVGD: "Class C0"). In summary, the available evidence is currently insufficient to determine the role of this variant in disease. Therefore, it has been classified as a Variant of Uncertain Significance.

NM_001201543.2(FAM161A):c.484G>C (p.Asp162His)

Gene: FAM161A (FAM161 centrosomal protein A; minus strand). Cytogenetic location: 2p15.
Variant type: single nucleotide variant.
Coding change: c.484G>C on transcript NM_001201543.2 (MANE Select); coding-DNA position 484, G replaced by C.
Protein change: p.Asp162His; replaces aspartic acid 162 with histidine.
Molecular consequence: missense variant. On other transcripts: non-coding transcript variant (1).
Genome position (GRCh38, 1-based): chr2:61,840,520, C>G on the plus strand (G>C on the coding strand, the complement: FAM161A is on the minus strand). VCF-style: chr2-61840520-C-G. GRCh37 (hg19) VCF-style: chr2-62067655-C-G.
Other names: c.484G>C, p.Asp162His (NM_032180.3); short protein forms D162H.
Identifiers: ClinVar variation 2166612 (VCV002166612.1), dbSNP rs1415741501, ClinGen allele CA346989059.